The following is an entry in ClinVar:

ClinVar aggregate classification (germline): Uncertain significance (1 of 4 stars; one submission).

Conditions:
COG1 congenital disorder of glycosylation (CDG2G). Also called: CONGENITAL DISORDER OF GLYCOSYLATION, TYPE IIg; CDG IIg; CDGII/COG1 CEREBROCOSTOMANDIBULAR-LIKE SYNDROME. Identifiers: Orphanet 263508, MedGen C2931011, MONDO:0012637, OMIM 611209.

Allele frequency attached by ClinVar (database versions not stated): gnomAD exomes below 0.00001; gnomAD 0.00001; TOPMed 0.00003.
gnomAD v4.1: 1 of 1,614,026 alleles (0.000062%); highest among the groups gnomAD compares: African/African-American, 0.0013%; no homozygotes.

Submission:

Labcorp Genetics (formerly Invitae), Labcorp
Classification: Uncertain significance for COG1 congenital disorder of glycosylation. Last evaluated: 2021-06-22. Review status: criteria provided, single submitter. Criteria: Invitae Variant Classification Sherloc (09022015). Collection method: clinical testing. Allele origin: germline.
Comment: In summary, the available evidence is currently insufficient to determine the role of this variant in disease. Therefore, it has been classified as a Variant of Uncertain Significance. Nucleotide substitutions within the consensus splice site are a relatively common cause of aberrant splicing (PMID: 17576681, 9536098). Algorithms developed to predict the effect of sequence changes on RNA splicing suggest that this variant is not likely to affect RNA splicing, but this prediction has not been confirmed by published transcriptional studies. This variant has not been reported in the literature in individuals with COG1-related conditions. This variant is not present in population databases (ExAC no frequency). This sequence change falls in intron 9 of the COG1 gene. It does not directly change the encoded amino acid sequence of the COG1 protein. It affects a nucleotide within the consensus splice site of the intron.

Literature cited by the submitters: PubMed 17576681; PubMed 9536098.

NM_018714.3(COG1):c.2382+4G>A

Gene: COG1 (component of oligomeric golgi complex 1; plus strand). Cytogenetic location: 17q25.1.
Variant type: single nucleotide variant.
Coding change: c.2382+4G>A on transcript NM_018714.3 (MANE Select); 4 bases into the intron after coding-DNA position 2382, G replaced by A.
Molecular consequence: intron variant.
Genome position (GRCh38, 1-based): chr17:73,203,797, G>A. VCF-style: chr17-73203797-G-A. GRCh37 (hg19) VCF-style: chr17-71199936-G-A.
Identifiers: ClinVar variation 1412627 (VCV001412627.6), dbSNP rs1047192668, ClinGen allele CA293809305.